The following is an entry in ClinVar:

ClinVar aggregate classification (germline): Uncertain significance (1 of 4 stars; one submission).

Conditions:
Familial adenomatous polyposis 1 (FAP1). Also called: FAMILIAL ADENOMATOUS POLYPOSIS 1, ATTENUATED; POLYPOSIS, ADENOMATOUS INTESTINAL. Identifiers: MedGen C2713442, MONDO:0021056, OMIM 175100. Disease mechanism: loss of function.

Submission:

Labcorp Genetics (formerly Invitae), Labcorp
Classification: Uncertain significance for Familial adenomatous polyposis 1. Last evaluated: 2021-11-23. Review status: criteria provided, single submitter. Criteria: Invitae Variant Classification Sherloc (09022015). Collection method: clinical testing. Allele origin: germline.
Comment: This variant, c.406_408del, results in the deletion of 1 amino acid(s) of the APC protein (p.Glu136del), but otherwise preserves the integrity of the reading frame. This variant is not present in population databases (gnomAD no frequency). This variant has not been reported in the literature in individuals affected with APC-related conditions. Experimental studies and prediction algorithms are not available or were not evaluated, and the functional significance of this variant is currently unknown. In summary, the available evidence is currently insufficient to determine the role of this variant in disease. Therefore, it has been classified as a Variant of Uncertain Significance.

NM_000038.6(APC):c.403GAA[1] (p.Glu136del)

Gene: APC (APC regulator of Wnt signaling pathway; plus strand). Cytogenetic location: 5q22.2.
Variant type: Microsatellite.
Coding change: c.403GAA[1] on transcript NM_000038.6 (MANE Select); one copy of the 3-base unit GAA starting at c.403; the reference has two copies in a row; one copy, 3 bases deleted.
Protein change: p.Glu136del; deletes glutamic acid 136.
Molecular consequence: inframe deletion. On other transcripts: 5 prime UTR variant (1).
Genome position (GRCh38, 1-based): chr5:112,767,374-112,767,376, GAA deleted; deleting any 3 consecutive bases within chr5:112,767,370-112,767,376 gives the same sequence; the position shown is the placement nearest the transcript's 3' end. VCF-style (leftmost placement, unchanged base first): chr5-112767369-TAGA-T. GRCh37 (hg19) VCF-style: chr5-112103066-TAGA-T.
Other names: c.403GAA[1], p.Glu136del (NM_001127510.3, NM_001354895.2, NM_001354896.2 and 2 more transcripts); c.433GAA[1], p.Glu146del (NM_001127511.3, NM_001354897.2, NM_001354902.2); c.328GAA[1], p.Glu111del (NM_001354898.2, NM_001354904.2); c.226GAA[1], p.Glu77del (NM_001354900.2, NM_001354901.2, NM_001354905.2); c.-633GAA[1] (NM_001354906.2); short protein forms E111del, E136del, E77del, E146del.
Identifiers: ClinVar variation 1475277 (VCV001475277.6), dbSNP rs2149789854, ClinGen allele CA2580613618.